The following is an entry in ClinVar:

ClinVar aggregate classification (germline): Likely benign (1 of 4 stars; one submission).

Allele frequency attached by ClinVar (database versions not stated): gnomAD exomes 0.00328; 1000 Genomes Project 0.00060; 1000 Genomes Project 30x 0.00094; TOPMed 0.00179; ESP Exome Variant Server 0.00192; gnomAD 0.00285; ExAC 0.00295.
gnomAD v4.1: 5,210 of 1,614,098 alleles (0.32%); highest among the groups gnomAD compares: Middle Eastern, 0.58%; 28 homozygotes.

Submission:

CeGaT Center for Human Genetics Tuebingen
Classification: Likely benign. Last evaluated: 2022-11-01. Review status: criteria provided, single submitter. Criteria: CeGaT Center For Human Genetics Tuebingen Variant Classification Criteria Version 2. Collection method: clinical testing. Allele origin: germline. Affected: yes. Observed: 1 variant allele.
Comment: NPAP1: BP4, BS2

NM_018958.3(NPAP1):c.3028G>A (p.Gly1010Arg)

Gene: NPAP1 (nuclear pore associated protein 1; plus strand). Cytogenetic location: 15q11.2.
Variant type: single nucleotide variant.
Coding change: c.3028G>A on transcript NM_018958.3 (MANE Select); coding-DNA position 3028, G replaced by A.
Protein change: p.Gly1010Arg; replaces glycine 1010 with arginine.
Molecular consequence: missense variant.
Genome position (GRCh38, 1-based): chr15:24,678,895, G>A. VCF-style: chr15-24678895-G-A. GRCh37 (hg19) VCF-style: chr15-24924042-G-A.
Other names: short protein forms G1010R.
Identifiers: ClinVar variation 2645008 (VCV002645008.24), dbSNP rs150300590, ClinGen allele CA7431035.